The following is an entry in ClinVar:

ClinVar aggregate classification (germline): Benign (1 of 4 stars; one submission).

Submission:

Mayo Clinic Laboratories, Mayo Clinic
Classification: Benign. Last evaluated: 2024-01-16. Review status: criteria provided, single submitter. Criteria: ACMG Guidelines, 2015. Collection method: clinical testing. Allele origin: germline. Observed: 5 variant alleles.
Comment: BS1, BS2, BP4, BP7

NM_001375405.1(CEP120):c.1431-10del

Gene: CEP120 (centrosomal protein 120; minus strand). Cytogenetic location: 5q23.2.
Variant type: Deletion.
Coding change: c.1431-10del on transcript NM_001375405.1 (MANE Select); 10 bases into the intron before coding-DNA position 1431, one base deleted (T; older notation c.1431-10delT).
Molecular consequence: intron variant.
Genome position (GRCh38, 1-based): chr5:123,386,677, A deleted on the plus strand (T on the coding strand, the reverse complement: CEP120 is on the minus strand); the first of 22 consecutive A bases (chr5:123,386,677-123,386,698); deleting any one gives the same sequence. VCF-style (leftmost placement, unchanged base first): chr5-123386676-TA-T. GRCh37 (hg19) VCF-style: chr5-122722370-TA-T.
Other names: p.?; c.1353-10del (NM_001166226.2); c.1431-10del (NM_153223.4, NM_001375407.1); c.858-10del (NM_001375408.1, NM_001375409.1); c.1296-10del (NM_001375406.1).
Identifiers: ClinVar variation 4684858 (VCV004684858.1).
Genomic context (GRCh38, chr5:123,386,676, plus strand): 5'-AGGAGGATTAGTCATAATAGGAGCTGCACTTCCAAAGAATGGATATGAGTACCTAGAATT[TA>T]AAAAAAAAAAAAAAAAAAAAAGCCTTAATGATATGGTTTACAGATGACATTCAGTCTGTT-3'